The following is an entry in ClinVar:

NM_001145358.2(SIN3A):c.2147T>A (p.Val716Glu)

Gene: SIN3A (SIN3 transcription regulator family member A; minus strand). Cytogenetic location: 15q24.2.
Variant type: single nucleotide variant.
Coding change: c.2147T>A on transcript NM_001145358.2 (MANE Select); coding-DNA position 2147, T replaced by A.
Protein change: p.Val716Glu; replaces valine 716 with glutamic acid.
Molecular consequence: missense variant.
Genome position (GRCh38, 1-based): chr15:75,394,810, A>T on the plus strand (T>A on the coding strand, the complement: SIN3A is on the minus strand). VCF-style: chr15-75394810-A-T. GRCh37 (hg19) VCF-style: chr15-75687151-A-T.
Other names: c.2147T>A, p.Val716Glu (NM_001145357.2, NM_001437462.1, NM_001437463.1 and 1 more transcripts); short protein forms V716E.
Identifiers: ClinVar variation 4745007 (VCV004745007.1).

ClinVar aggregate classification (germline): Uncertain significance (1 of 4 stars; one submission).

Submission:

Labcorp Genetics (formerly Invitae), Labcorp
Classification: Uncertain significance. Last evaluated: 2025-12-21. Review status: criteria provided, single submitter. Criteria: Invitae Variant Classification Sherloc (09022015). Collection method: clinical testing. Allele origin: germline.
Comment: This sequence change replaces valine, which is neutral and non-polar, with glutamic acid, which is acidic and polar, at codon 716 of the SIN3A protein (p.Val716Glu). This variant is not present in population databases (gnomAD no frequency). This variant has not been reported in the literature in individuals affected with SIN3A-related conditions. Invitae Evidence Modeling of protein sequence and biophysical properties (such as structural, functional, and spatial information, amino acid conservation, physicochemical variation, residue mobility, and thermodynamic stability) indicates that this missense variant is not expected to disrupt SIN3A protein function with a negative predictive value of 80%. In summary, the available evidence is currently insufficient to determine the role of this variant in disease. Therefore, it has been classified as a Variant of Uncertain Significance.